The following is an entry in ClinVar:

ClinVar aggregate classification (germline): Uncertain significance. Review status: criteria provided, multiple submitters, no conflicts (2 of 4 stars). 3 submissions from 3 submitters: Uncertain significance (3). Last evaluated 2024-12-02.

Conditions:
Peroxisome biogenesis disorder 2B (PBD2B). Identifiers: Orphanet 44, MedGen C3550234, MONDO:0008736, OMIM 202370.
Inborn genetic diseases. Identifiers: MedGen C0950123, MeSH D030342.

Allele frequency attached by ClinVar (database versions not stated): ExAC 0.00002; gnomAD exomes 0.00002 and 0.00004; gnomAD 0.00013 and 0.00016; TOPMed 0.00013; 1000 Genomes Project 30x 0.00016; 1000 Genomes Project 0.00020.
gnomAD v4.1: 45 of 1,614,130 alleles (0.0028%); highest among the groups gnomAD compares: African/African-American, 0.041%; no homozygotes.

Submissions (3):

Labcorp Genetics (formerly Invitae), Labcorp
Classification: Uncertain significance for Peroxisome biogenesis disorder 2B. Last evaluated: 2024-12-02. Review status: criteria provided, single submitter. Criteria: Invitae Variant Classification Sherloc (09022015). Collection method: clinical testing. Allele origin: germline.
Comment: This sequence change replaces glutamic acid, which is acidic and polar, with lysine, which is basic and polar, at codon 224 of the PEX5 protein (p.Glu224Lys). This variant is present in population databases (rs767347186, gnomAD 0.04%). This variant has not been reported in the literature in individuals affected with PEX5-related conditions. ClinVar contains an entry for this variant (Variation ID: 502042). Invitae Evidence Modeling of protein sequence and biophysical properties (such as structural, functional, and spatial information, amino acid conservation, physicochemical variation, residue mobility, and thermodynamic stability) indicates that this missense variant is not expected to disrupt PEX5 protein function with a negative predictive value of 80%. In summary, the available evidence is currently insufficient to determine the role of this variant in disease. Therefore, it has been classified as a Variant of Uncertain Significance.

Ambry Genetics
Classification: Uncertain significance for Inborn genetic diseases. Last evaluated: 2024-07-07. Review status: criteria provided, single submitter. Criteria: Ambry Variant Classification Scheme 2023. Collection method: clinical testing. Allele origin: germline.

Eurofins Ntd Llc (ga)
Classification: Uncertain significance. Last evaluated: 2017-05-18. Review status: criteria provided, single submitter. Criteria: EGL Classification Definitions 2015. Collection method: clinical testing. Allele origin: germline. Observed: 2 variant alleles, 2 heterozygotes.

NM_001351132.2(PEX5):c.670G>A (p.Glu224Lys)

Gene: PEX5 (peroxisomal biogenesis factor 5; plus strand). Cytogenetic location: 12p13.31.
Variant type: single nucleotide variant.
Coding change: c.670G>A on transcript NM_001351132.2 (MANE Select); coding-DNA position 670, G replaced by A.
Protein change: p.Glu224Lys; replaces glutamic acid 224 with lysine.
Molecular consequence: missense variant. On other transcripts: intron variant (15).
Genome position (GRCh38, 1-based): chr12:7,202,268, G>A. VCF-style: chr12-7202268-G-A. GRCh37 (hg19) VCF-style: chr12-7354864-G-A.
Other names: c.670G>A, p.Glu224Lys (NM_000319.5, NM_001131025.2, NM_001131026.2 and 6 more transcripts); c.715G>A, p.Glu239Lys (NM_001131023.2); c.643-344G>A (NM_001351124.3, NM_001351126.2, NM_001374646.1 and 10 more transcripts); c.688-344G>A (NM_001351135.3, NM_001351138.2); c.670G>A (NM_001131025.1); short protein forms E224K, E239K.
Identifiers: ClinVar variation 502042 (VCV000502042.11), dbSNP rs767347186, ClinGen allele CA6426234.